The following is an entry in ClinVar:

ClinVar aggregate classification (germline): Pathogenic (0 of 4 stars; one submission).

Conditions:
COL4A5-related disorder. Also called: COL4A5-related condition.

Submission:

PreventionGenetics, part of Exact Sciences
Classification: Pathogenic for COL4A5-related condition. Last evaluated: 2024-09-03. Review status: no assertion criteria provided. Collection method: clinical testing. Allele origin: germline.
Comment: The COL4A5 c.1345G>T variant is predicted to result in premature protein termination (p.Glu449*). To our knowledge, this variant has not been reported in the literature or in a large population database, indicating this variant is rare. Nonsense variants in COL4A5 are expected to be pathogenic. This variant is interpreted as pathogenic.

NM_033380.3(COL4A5):c.1345G>T (p.Glu449Ter)

Gene: COL4A5 (collagen type IV alpha 5 chain; plus strand). Cytogenetic location: Xq22.3.
Variant type: single nucleotide variant.
Coding change: c.1345G>T on transcript NM_033380.3 (MANE Select); coding-DNA position 1345, G replaced by T.
Protein change: p.Glu449Ter; replaces glutamic acid 449 with a stop codon.
Molecular consequence: nonsense.
Genome position (GRCh38, 1-based): chrX:108,591,566, G>T. VCF-style: chrX-108591566-G-T. GRCh37 (hg19) VCF-style: chrX-107834796-G-T.
Other names: c.1345G>T, p.Glu449Ter (NM_000495.5); short protein forms E449*.
Identifiers: ClinVar variation 3346374 (VCV003346374.1).
Genomic context (GRCh38, chrX:108,591,566, plus strand): 5'-TTAATCTTCTGGATATTTCACAATTAGCTTGCTATCCTTTCTTTATCTTACTCAGGTGAT[G>T]AGATATGTGAACCAGGCCCTCCAGGCCCCCCAGGATCTCCAGGTGATAAAGGACTCCAAG-3'